The following is an entry in ClinVar:

NM_000053.4(ATP7B):c.3637G>A (p.Gly1213Ser)

Gene: ATP7B (ATPase copper transporting beta; minus strand). Cytogenetic location: 13q14.3.
Variant type: single nucleotide variant.
Coding change: c.3637G>A on transcript NM_000053.4 (MANE Select); coding-DNA position 3637, G replaced by A.
Protein change: p.Gly1213Ser; replaces glycine 1213 with serine.
Molecular consequence: missense variant.
Genome position (GRCh38, 1-based): chr13:51,939,113, C>T on the plus strand (G>A on the coding strand, the complement: ATP7B is on the minus strand). VCF-style: chr13-51939113-C-T. GRCh37 (hg19) VCF-style: chr13-52513249-C-T.
Other names: c.3016G>A, p.Gly1006Ser (NM_001005918.3); c.3304G>A, p.Gly1102Ser (NM_001243182.2); c.3403G>A, p.Gly1135Ser (NM_001330578.2); c.3385G>A, p.Gly1129Ser (NM_001330579.2); short protein forms G1006S, G1102S, G1129S, G1135S, G1213S.
Identifiers: ClinVar variation 928742 (VCV000928742.7), dbSNP rs745918596, ClinGen allele CA6988617.
Genomic context (GRCh38, chr13:51,939,113, plus strand): 5'-GGGTGGCAATAGCTCTGGCTGTCTTCCGGTTGTCCCCCGTGATCAGAACCACGTCCACAC[C>T]CATGCTCTGCAGCGTGTGCACAGCCAGGGCAGCCTCCTGCTTGACAGCGTCTGCGATTGC-3'
Protein context (NP_000044.2, residues 1203-1223): ALAVHTLQSM[Gly1213Ser]VDVVLITGDN

ClinVar aggregate classification (germline): Uncertain significance. Review status: criteria provided, multiple submitters, no conflicts (2 of 4 stars). 6 submissions from 6 submitters: Uncertain significance (5). 1 of the submissions does not count toward it. Last evaluated 2025-07-08.

Conditions:
Wilson disease (WND). Also called: Wilson's disease. Identifiers: Orphanet 905, MedGen C0019202, MONDO:0010200, OMIM 277900. Disease mechanism: loss of function.

Allele frequency attached by ClinVar (database versions not stated): ExAC 0.00001; gnomAD 0.00001; gnomAD exomes 0.00001; TOPMed 0.00001.
gnomAD v4.1: 19 of 1,614,100 alleles (0.0012%); highest among the groups gnomAD compares: Admixed American, 0.0033%; no homozygotes.

Submissions (6):

Color Diagnostics, LLC DBA Color Health
Classification: Uncertain significance for Wilson disease. Last evaluated: 2025-07-08. Review status: criteria provided, single submitter. Criteria: ACMG Guidelines, 2015. Collection method: clinical testing. Allele origin: germline.
Comment: This missense variant replaces glycine with serine at codon 1213 of the ATP7B protein. Computational prediction suggests that this variant may have deleterious impact on protein structure and function. To our knowledge, functional studies have not been reported for this variant. This variant has been reported in an individual affected with Wilson disease (Kuppala et al., 2009, DOI: 10.2174/1876517300901010001). This variant has been identified in 3/249598 chromosomes in the general population by the Genome Aggregation Database (gnomAD). The available evidence is insufficient to determine the role of this variant in disease conclusively. Therefore, this variant is classified as a Variant of Uncertain Significance.

Labcorp Genetics (formerly Invitae), Labcorp
Classification: Uncertain significance for Wilson disease. Last evaluated: 2023-11-27. Review status: criteria provided, single submitter. Criteria: Invitae Variant Classification Sherloc (09022015). Collection method: clinical testing. Allele origin: germline.
Comment: This sequence change replaces glycine, which is neutral and non-polar, with serine, which is neutral and polar, at codon 1213 of the ATP7B protein (p.Gly1213Ser). This variant is present in population databases (rs745918596, gnomAD 0.002%). This variant has not been reported in the literature in individuals affected with ATP7B-related conditions. ClinVar contains an entry for this variant (Variation ID: 928742). Advanced modeling of protein sequence and biophysical properties (such as structural, functional, and spatial information, amino acid conservation, physicochemical variation, residue mobility, and thermodynamic stability) performed at Invitae indicates that this missense variant is expected to disrupt ATP7B protein function with a positive predictive value of 80%. In summary, the available evidence is currently insufficient to determine the role of this variant in disease. Therefore, it has been classified as a Variant of Uncertain Significance.

All of Us Research Program, National Institutes of Health
Classification: Uncertain significance for Wilson disease. Last evaluated: 2023-10-02. Review status: criteria provided, single submitter. Criteria: ACMG Guidelines, 2015. Collection method: clinical testing. Allele origin: germline. Inheritance: Autosomal recessive inheritance. Observed: 4 variant alleles, 4 heterozygotes.
Comment: This missense variant replaces glycine with serine at codon 1213 of the ATP7B protein. Computational prediction suggests that this variant may have deleterious impact on protein structure and function (internally defined REVEL score threshold >= 0.7, PMID: 27666373). To our knowledge, functional studies have not been reported for this variant. This variant has been reported in an individual affected with Wilson disease (Kuppala et al., 2009, DOI: 10.2174/1876517300901010001). This variant has been identified in 3/249598 chromosomes in the general population by the Genome Aggregation Database (gnomAD). The available evidence is insufficient to determine the role of this variant in disease conclusively. Therefore, this variant is classified as a Variant of Uncertain Significance.

This study involves interpretation of variants in research participants for the purpose of population health screening. Participant phenotype was not available at the time of variant classification. Additional details can be found in publication PMID: 35346344, PMCID: PMC8962531

Fulgent Genetics
Classification: Uncertain significance for Wilson disease. Last evaluated: 2022-05-10. Review status: criteria provided, single submitter. Criteria: ACMG Guidelines, 2015. Collection method: clinical testing. Allele origin: unknown.

Women's Health and Genetics/Laboratory Corporation of America, LabCorp
Classification: Uncertain significance. Last evaluated: 2019-08-04. Review status: criteria provided, single submitter. Criteria: LabCorp Variant Classification Summary - May 2015. Collection method: clinical testing. Allele origin: germline.
Comment: Variant summary: ATP7B c.3637G>A (p.Gly1213Ser) results in a non-conservative amino acid change in the encoded protein sequence. Five of five in-silico tools predict a damaging effect of the variant on protein function. The variant allele was found at a frequency of 1.2e-05 in 249598 control chromosomes (gnomAD). The available data on variant occurrences in the general population are insufficient to allow any conclusion about variant significance. c.3637G>A has been reported in the literature in individuals affected with Wilson Disease (Kuppala_2009). This report does not provide unequivocal conclusions about association of the variant with Wilson Disease. To our knowledge, no experimental evidence demonstrating an impact on protein function has been reported. No clinical diagnostic laboratories have submitted clinical-significance assessments for this variant to ClinVar after 2014. Based on the evidence outlined above, the variant was classified as uncertain significance.

Natera, Inc.
Classification: Uncertain significance for Wilson disease. Last evaluated: 2020-12-15. Review status: no assertion criteria provided. Collection method: clinical testing. Allele origin: germline. Not counted in ClinVar's aggregate classification.